The following is an entry in ClinVar:

NM_014840.3(NUAK1):c.1752C>G (p.Asp584Glu)

Gene: NUAK1 (NUAK family kinase 1; minus strand). Cytogenetic location: 12q23.3.
Variant type: single nucleotide variant.
Coding change: c.1752C>G on transcript NM_014840.3 (MANE Select); coding-DNA position 1752, C replaced by G.
Protein change: p.Asp584Glu; replaces aspartic acid 584 with glutamic acid.
Molecular consequence: missense variant.
Genome position (GRCh38, 1-based): chr12:106,067,036, G>C on the plus strand (C>G on the coding strand, the complement: NUAK1 is on the minus strand). VCF-style: chr12-106067036-G-C. GRCh37 (hg19) VCF-style: chr12-106460814-G-C.
Other names: short protein forms D584E.
Identifiers: ClinVar variation 3038224 (VCV003038224.2), dbSNP rs2541495252, ClinGen allele CA386363429.

ClinVar aggregate classification (germline): Uncertain significance (0 of 4 stars; one submission).

Conditions:
NUAK1-related disorder. Also called: NUAK1-related condition.

Submission:

PreventionGenetics, part of Exact Sciences
Classification: Uncertain significance for NUAK1-related condition. Last evaluated: 2023-11-22. Review status: no assertion criteria provided. Collection method: clinical testing. Allele origin: germline.
Comment: The NUAK1 c.1752C>G variant is predicted to result in the amino acid substitution p.Asp584Glu. To our knowledge, this variant has not been reported in the literature or in a large population database, indicating this variant is rare. At this time, the clinical significance of this variant is uncertain due to the absence of conclusive functional and genetic evidence.